The following is an entry in ClinVar:

NM_173560.4(RFX6):c.1327C>T (p.His443Tyr)

Gene: RFX6 (regulatory factor X6; plus strand). Cytogenetic location: 6q22.1.
Variant type: single nucleotide variant.
Coding change: c.1327C>T on transcript NM_173560.4 (MANE Select); coding-DNA position 1327, C replaced by T.
Protein change: p.His443Tyr; replaces histidine 443 with tyrosine.
Molecular consequence: missense variant.
Genome position (GRCh38, 1-based): chr6:116,920,454, C>T. VCF-style: chr6-116920454-C-T. GRCh37 (hg19) VCF-style: chr6-117241617-C-T.
Other names: short protein forms H443Y.
Identifiers: ClinVar variation 130148 (VCV000130148.25), dbSNP rs77146142, ClinGen allele CA154953.

ClinVar aggregate classification (germline): Benign/Likely benign. Review status: criteria provided, multiple submitters, no conflicts (2 of 4 stars). 6 submissions from 6 submitters: Benign (4); Likely benign (2). Last evaluated 2026-01-14.

Conditions:
Monogenic diabetes. Identifiers: Orphanet 183625, MedGen C3888631, MONDO:0015967.
Hypoplastic pancreas-intestinal atresia-hypoplastic gallbalder syndrome. Also called: DIABETES, NEONATAL, WITH PANCREATIC HYPOPLASIA, INTESTINAL ATRESIA, AND GALLBLADDER APLASIA OR HYPOPLASIA; Mitchell-Riley syndrome. Identifiers: Orphanet 293864, MedGen C2748662, MONDO:0017400, OMIM 615710.

Allele frequency attached by ClinVar (database versions not stated): ESP Exome Variant Server 0.01722; 1000 Genomes Project 30x 0.01796; gnomAD exomes 0.00119 and 0.00370; ExAC 0.00464; gnomAD 0.01320; TOPMed 0.01454; 1000 Genomes Project 0.01577.

Submissions (6):

Labcorp Genetics (formerly Invitae), Labcorp
Classification: Benign. Last evaluated: 2026-01-14. Review status: criteria provided, single submitter. Criteria: Invitae Variant Classification Sherloc (09022015). Collection method: clinical testing. Allele origin: germline.

ARUP Laboratories, Molecular Genetics and Genomics, ARUP Laboratories
Classification: Benign for Hypoplastic pancreas-intestinal atresia-hypoplastic gallbalder syndrome. Last evaluated: 2021-09-13. Review status: criteria provided, single submitter. Criteria: ARUP Molecular Germline Variant Investigation Process 2021. Collection method: clinical testing. Allele origin: germline.

GeneDx
Classification: Likely benign. Last evaluated: 2021-04-19. Review status: criteria provided, single submitter. Criteria: GeneDx Variant Classification Process June 2021. Collection method: clinical testing. Allele origin: germline. Affected: yes.

Personalized Diabetes Medicine Program, University of Maryland School of Medicine
Classification: Benign for Monogenic diabetes. Last evaluated: 2018-12-21. Review status: criteria provided, single submitter. Criteria: ACMG Guidelines, 2015. Collection method: research. Allele origin: unknown. Observed: 8 variant alleles, 8 heterozygotes.
Comment: ACMG criteria: BP4 (REVEL 0.132 + 9 predictors), BA1 (4.9% MAF in gnomAD Africans), BS2 (31 homozygotes in gnomAD)=Benign

Genetic Services Laboratory, University of Chicago
Classification: Benign for AllHighlyPenetrant. Last evaluated: 2013-11-15. Review status: criteria provided, single submitter. Criteria: ACMG Guidelines, 2007. Collection method: clinical testing. Allele origin: germline. Inheritance: Autosomal recessive inheritance.

Breakthrough Genomics
Classification: Likely benign. Review status: criteria provided, single submitter. Criteria: ACMG Guidelines, 2015. Collection method: not provided. Allele origin: germline. Inheritance: Autosomal recessive inheritance. Affected: yes.